The following is an entry in ClinVar:

ClinVar aggregate classification (germline): Pathogenic (1 of 4 stars; one submission).

Conditions:
Polycystic kidney disease, adult type (PKD1). Also called: Polycystic Kidney Disease 1, Autosomal Dominant; Polycystic kidney disease 1; Polycystic kidney disease 1, severe; Polycystic Kidney, Autosomal Dominant; POLYCYSTIC KIDNEY DISEASE 1 WITH OR WITHOUT POLYCYSTIC LIVER DISEASE; POLYCYSTIC KIDNEY DISEASE, ADULT, TYPE I. Identifiers: MedGen C3149841, MONDO:0008263, OMIM 173900.

Submission:

MVZ Medizinische Genetik Mainz
Classification: Pathogenic for Polycystic kidney disease, adult type. Last evaluated: 2022-03-02. Review status: criteria provided, single submitter. Criteria: UK Practice Guidelines For Variant Classification V4 01 2020. Collection method: clinical testing. Allele origin: germline. Inheritance: Autosomal dominant inheritance. Affected: yes. Observed: 2 variant alleles.
Comment: ACMG Criteria: PVS1, PM2_SUP, PP4 (ACMG Version 3)

NM_001009944.3(PKD1):c.9863del (p.Ile3288fs)

Gene: PKD1 (polycystin 1, transient receptor potential channel interacting; minus strand). Cytogenetic location: 16p13.3.
Variant type: Deletion.
Coding change: c.9863del on transcript NM_001009944.3 (MANE Select); coding-DNA position 9863, one base deleted (T; older notation c.9863delT).
Protein change: p.Ile3288fs; shifts the reading frame from isoleucine 3288.
Molecular consequence: frameshift variant.
Genome position (GRCh38, 1-based): chr16:2,099,921, A deleted on the plus strand (T on the coding strand, the reverse complement: PKD1 is on the minus strand). VCF-style (leftmost placement, unchanged base first): chr16-2099920-GA-G. GRCh37 (hg19) VCF-style: chr16-2149921-GA-G.
Other names: c.9863del, p.Ile3288fs (NM_000296.4); short protein forms I3288fs.
Identifiers: ClinVar variation 3234071 (VCV003234071.1), dbSNP rs2544712802, ClinGen allele CA2825002362.
Genomic context (GRCh38, chr16:2,099,920, plus strand): 5'-CCTGTAGGCAGAGTCGCCAACAGCCCCGTACCACACGGCGTTGGCGCCCAGGAAGAGGCA[GA>G]TGAGGAGAACGCAGCAGGTGGCCCTCTGGATGCGAGTGAAACGGCTACGAGGCGGCCGGT-3'